The following is an entry in ClinVar:

ClinVar aggregate classification (germline): Uncertain significance (1 of 4 stars; one submission).

Submission:

GeneDx
Classification: Uncertain significance. Last evaluated: 2024-03-07. Review status: criteria provided, single submitter. Criteria: GeneDx Variant Classification Process June 2021. Collection method: clinical testing. Allele origin: germline. Affected: yes.
Comment: Not observed at significant frequency in large population cohorts (gnomAD); In silico analysis supports that this missense variant does not alter protein structure/function; Has not been previously published as pathogenic or benign to our knowledge

NM_201384.3(PLEC):c.12242C>T (p.Thr4081Ile)

Gene: PLEC (plectin; minus strand). Cytogenetic location: 8q24.3.
Variant type: single nucleotide variant.
Coding change: c.12242C>T on transcript NM_201384.3 (MANE Select); coding-DNA position 12242, C replaced by T.
Protein change: p.Thr4081Ile; replaces threonine 4081 with isoleucine.
Molecular consequence: missense variant.
Genome position (GRCh38, 1-based): chr8:143,917,579, G>A on the plus strand (C>T on the coding strand, the complement: PLEC is on the minus strand). VCF-style: chr8-143917579-G-A. GRCh37 (hg19) VCF-style: chr8-144991747-G-A.
Other names: c.12323C>T, p.Thr4108Ile (NM_000445.5); c.8942C>T, p.Thr2981Ile (NM_001410941.1); c.12200C>T, p.Thr4067Ile (NM_201378.4); c.12176C>T, p.Thr4059Ile (NM_201379.3); c.12653C>T, p.Thr4218Ile (NM_201380.4); c.12146C>T, p.Thr4049Ile (NM_201381.3); c.12242C>T, p.Thr4081Ile (NM_201382.4); c.12254C>T, p.Thr4085Ile (NM_201383.3); short protein forms T2981I, T4049I, T4059I, T4067I, T4081I, T4085I, T4108I, T4218I.
Identifiers: ClinVar variation 3373718 (VCV003373718.1).